The following is an entry in ClinVar:

NC_000017.10:g.(?_56769986)_(56811583_?)dup

Gene: RAD51C (RAD51 paralog C; plus strand). Cytogenetic location: 17q22.
Variant type: Duplication.
Identifiers: ClinVar variation 3243088 (VCV003243088.1).

ClinVar aggregate classification (germline): Uncertain significance (1 of 4 stars; one submission).

Conditions:
Fanconi anemia complementation group O. Also called: RAD51C-Related Fanconi Anemia. Identifiers: Orphanet 84, MedGen C3150653, MONDO:0013248, OMIM 613390.

Submission:

Labcorp Genetics (formerly Invitae), Labcorp
Classification: Uncertain significance for Fanconi anemia complementation group O. Last evaluated: 2023-08-05. Review status: criteria provided, single submitter. Criteria: Invitae Variant Classification Sherloc (09022015). Collection method: clinical testing. Allele origin: unknown.
Comment: In summary, the available evidence is currently insufficient to determine the role of this variant in disease. Therefore, it has been classified as a Variant of Uncertain Significance. This variant has not been reported in the literature in individuals affected with RAD51C-related conditions. A copy number gain of the genomic region encompassing the full coding sequence of the RAD51C gene has been identified. The boundaries of this event are unknown as they extend beyond the assayed region for this gene and therefore may encompass additional genes. As the precise location of this event is unknown, it may be in tandem or it may be located elsewhere in the genome.